The following is an entry in ClinVar:

ClinVar aggregate classification (germline): Pathogenic/Likely pathogenic. Review status: criteria provided, multiple submitters, no conflicts (2 of 4 stars). 2 submissions from 2 submitters: Pathogenic (1); Likely pathogenic (1). Last evaluated 2024-05-13.

Submissions (2):

Labcorp Genetics (formerly Invitae), Labcorp
Classification: Pathogenic. Last evaluated: 2024-05-13. Review status: criteria provided, single submitter. Criteria: Invitae Variant Classification Sherloc (09022015). Collection method: clinical testing. Allele origin: germline.
Comment: This sequence change creates a premature translational stop signal (p.Gln526*) in the MYO5B gene. It is expected to result in an absent or disrupted protein product. Loss-of-function variants in MYO5B are known to be pathogenic (PMID: 18724368, 20186687). This variant is not present in population databases (gnomAD no frequency). This premature translational stop signal has been observed in individual(s) with clinical features of MYO5B-related conditions (PMID: 33525641). ClinVar contains an entry for this variant (Variation ID: 2577762). For these reasons, this variant has been classified as Pathogenic.

GeneDx
Classification: Likely pathogenic. Last evaluated: 2023-02-22. Review status: criteria provided, single submitter. Criteria: GeneDx Variant Classification Process June 2021. Collection method: clinical testing. Allele origin: germline. Affected: yes.
Comment: Nonsense variant predicted to result in protein truncation or nonsense mediated decay in a gene for which loss of function is a known mechanism of disease; Not observed at significant frequency in large population cohorts (gnomAD); Identified in a patient with intestinal disease and cholestatic liver disease in published literature (Aldrian et al., 2021); This variant is associated with the following publications: (PMID: 36747680, 33525641)

Literature cited by the submitters: PubMed 18724368 (cited by Labcorp Genetics (formerly Invitae), Labcorp); PubMed 20186687 (cited by Labcorp Genetics (formerly Invitae), Labcorp); PubMed 33525641 (cited by Labcorp Genetics (formerly Invitae), Labcorp).

NM_001080467.3(MYO5B):c.1576C>T (p.Gln526Ter)

Gene: MYO5B (myosin VB; minus strand). Cytogenetic location: 18q21.1.
Variant type: single nucleotide variant.
Coding change: c.1576C>T on transcript NM_001080467.3 (MANE Select); coding-DNA position 1576, C replaced by T.
Protein change: p.Gln526Ter; replaces glutamine 526 with a stop codon.
Molecular consequence: nonsense.
Genome position (GRCh38, 1-based): chr18:49,954,405, G>A on the plus strand (C>T on the coding strand, the complement: MYO5B is on the minus strand). VCF-style: chr18-49954405-G-A. GRCh37 (hg19) VCF-style: chr18-47480775-G-A.
Other names: short protein forms Q526*.
Identifiers: ClinVar variation 2577762 (VCV002577762.3), dbSNP rs2511319039, ClinGen allele CA402429349.
Genomic context (GRCh38, chr18:49,954,405, plus strand): 5'-TGTTGGACATGCGGGGCTTCTGGAAGTGCTGGCTGCTGGAGTGCCGGTCATAGAGCTTCT[G>A]AGCCCAGTTCTGGTCAGTTCCTTTGGGGACCTGCAGAACCACAAGATAGGGCAGAGCGCT-3'